The following is an entry in ClinVar:

ClinVar aggregate classification (germline): Uncertain significance. Review status: criteria provided, multiple submitters, no conflicts (2 of 4 stars). 2 submissions from 2 submitters: Uncertain significance (2). Last evaluated 2025-05-13.

Conditions:
Familial thoracic aortic aneurysm and aortic dissection (TAAD). Also called: Thoracic aortic aneurysms and dissections. Identifiers: Orphanet 91387, MedGen C4707243, MONDO:0019625.
Loeys-Dietz syndrome 4 (LDS4). Also called: TGFB2-Related Loeys-Dietz Syndrome; ANEURYSM, AORTIC AND CEREBRAL, WITH ARTERIAL TORTUOSITY AND SKELETAL MANIFESTATIONS. Identifiers: MedGen C3553762, MONDO:0013897, OMIM 614816.

Allele frequency attached by ClinVar (database versions not stated): gnomAD exomes below 0.00001; TOPMed below 0.00001.
gnomAD v4.1: 2 of 1,613,810 alleles (0.00012%); highest among the groups gnomAD compares: African/African-American, 0.0013%; no homozygotes.

Submissions (2):

Labcorp Genetics (formerly Invitae), Labcorp
Classification: Uncertain significance for Loeys-Dietz syndrome 4. Last evaluated: 2025-05-13. Review status: criteria provided, single submitter. Criteria: Invitae Variant Classification Sherloc (09022015). Collection method: clinical testing. Allele origin: germline.
Comment: This sequence change replaces serine, which is neutral and polar, with isoleucine, which is neutral and non-polar, at codon 223 of the TGFB2 protein (p.Ser223Ile). This variant is present in population databases (no rsID available, gnomAD 0.0009%). This variant has not been reported in the literature in individuals affected with TGFB2-related conditions. ClinVar contains an entry for this variant (Variation ID: 1388199). Invitae Evidence Modeling of protein sequence and biophysical properties (such as structural, functional, and spatial information, amino acid conservation, physicochemical variation, residue mobility, and thermodynamic stability) indicates that this missense variant is not expected to disrupt TGFB2 protein function with a negative predictive value of 80%. In summary, the available evidence is currently insufficient to determine the role of this variant in disease. Therefore, it has been classified as a Variant of Uncertain Significance.

Ambry Genetics
Classification: Uncertain significance for Familial thoracic aortic aneurysm and aortic dissection. Last evaluated: 2022-11-04. Review status: criteria provided, single submitter. Criteria: Ambry Variant Classification Scheme 2023. Collection method: clinical testing. Allele origin: germline.
Comment: The p.S223I variant (also known as c.668G>T), located in coding exon 4 of the TGFB2 gene, results from a G to T substitution at nucleotide position 668. The serine at codon 223 is replaced by isoleucine, an amino acid with dissimilar properties. This amino acid position is conserved. In addition, this alteration is predicted to be deleterious by in silico analysis. Since supporting evidence is limited at this time, the clinical significance of this alteration remains unclear.

NM_003238.6(TGFB2):c.668G>T (p.Ser223Ile)

Gene: TGFB2 (transforming growth factor beta 2; plus strand). Cytogenetic location: 1q41.
Variant type: single nucleotide variant.
Coding change: c.668G>T on transcript NM_003238.6 (MANE Select); coding-DNA position 668, G replaced by T.
Protein change: p.Ser223Ile; replaces serine 223 with isoleucine.
Molecular consequence: missense variant. On other transcripts: non-coding transcript variant (2).
Genome position (GRCh38, 1-based): chr1:218,434,362, G>T. VCF-style: chr1-218434362-G-T. GRCh37 (hg19) VCF-style: chr1-218607704-G-T.
Other names: c.752G>T, p.Ser251Ile (NM_001135599.4); c.668G>T (NM_003238.3); short protein forms S223I, S251I.
Identifiers: ClinVar variation 1388199 (VCV001388199.9), dbSNP rs957164399, ClinGen allele CA37619410.